The following is an entry in ClinVar:

ClinVar aggregate classification (germline): Uncertain significance. Review status: criteria provided, multiple submitters, no conflicts (2 of 4 stars). 2 submissions from 2 submitters: Uncertain significance (2). Last evaluated 2022-03-01.

Conditions:
Inborn genetic diseases. Identifiers: MedGen C0950123, MeSH D030342.

Allele frequency attached by ClinVar (database versions not stated): gnomAD exomes below 0.00001 and 0.00001; gnomAD 0.00001; TOPMed 0.00010.

Submissions (2):

Labcorp Genetics (formerly Invitae), Labcorp
Classification: Uncertain significance. Last evaluated: 2022-03-01. Review status: criteria provided, single submitter. Criteria: Invitae Variant Classification Sherloc (09022015). Collection method: clinical testing. Allele origin: germline.
Comment: This sequence change falls in intron 2 of the GPAA1 gene. It does not directly change the encoded amino acid sequence of the GPAA1 protein. It affects a nucleotide within the consensus splice site. This variant is present in population databases (no rsID available, gnomAD 0.003%). This variant has not been reported in the literature in individuals affected with GPAA1-related conditions. Variants that disrupt the consensus splice site are a relatively common cause of aberrant splicing (PMID: 17576681, 9536098). Algorithms developed to predict the effect of sequence changes on RNA splicing suggest that this variant is not likely to affect RNA splicing. In summary, the available evidence is currently insufficient to determine the role of this variant in disease. Therefore, it has been classified as a Variant of Uncertain Significance.

Ambry Genetics
Classification: Uncertain significance for Inborn genetic diseases. Last evaluated: 2021-07-19. Review status: criteria provided, single submitter. Criteria: Ambry Variant Classification Scheme 2023. Collection method: clinical testing. Allele origin: germline.
Comment: The c.254+6C>T intronic alteration consists of a C to T substitution 6 nucleotides after exon 2 of the GPAA1 gene. Based on insufficient or conflicting evidence, the clinical significance of this alteration remains unclear.

Literature cited by the submitters: PubMed 17576681 (cited by Labcorp Genetics (formerly Invitae), Labcorp); PubMed 9536098 (cited by Labcorp Genetics (formerly Invitae), Labcorp).

NM_003801.4(GPAA1):c.254+6C>T

Gene: GPAA1 (glycosylphosphatidylinositol anchor attachment 1; plus strand). Cytogenetic location: 8q24.3.
Variant type: single nucleotide variant.
Coding change: c.254+6C>T on transcript NM_003801.4 (MANE Select); 6 bases into the intron after coding-DNA position 254, C replaced by T.
Molecular consequence: intron variant.
Genome position (GRCh38, 1-based): chr8:144,083,309, C>T. VCF-style: chr8-144083309-C-T. GRCh37 (hg19) VCF-style: chr8-145138212-C-T.
Other names: c.254+6C>T (NM_003801.3).
Identifiers: ClinVar variation 1501916 (VCV001501916.4), dbSNP rs1393461273, ClinGen allele CA586160115.